The following is an entry in ClinVar:

ClinVar aggregate classification (germline): Pathogenic. Review status: criteria provided, multiple submitters, no conflicts (2 of 4 stars). 2 submissions from 2 submitters: Pathogenic (2). Last evaluated 2026-01-05.

Conditions:
Inborn genetic diseases. Identifiers: MedGen C0950123, MeSH D030342.

Submissions (2):

Ambry Genetics
Classification: Pathogenic for Inborn genetic diseases. Last evaluated: 2026-01-05. Review status: criteria provided, single submitter. Criteria: Ambry Variant Classification Scheme 2023. Collection method: clinical testing. Allele origin: germline.
Comment: The c.1376_1377delTT pathogenic mutation, located in coding exon 5 of the MBD4 gene, results from a deletion of two nucleotides at nucleotide positions 1376 to 1377, causing a translational frameshift with a predicted alternate stop codon (p.F459Sfs*24). This variant is considered to be rare based on population cohorts in the Genome Aggregation Database (gnomAD). This alteration is expected to result in loss of function by premature protein truncation or nonsense-mediated mRNA decay. As such, this alteration is interpreted as a disease-causing mutation.

Labcorp Genetics (formerly Invitae), Labcorp
Classification: Pathogenic. Last evaluated: 2024-02-22. Review status: criteria provided, single submitter. Criteria: Invitae Variant Classification Sherloc (09022015). Collection method: clinical testing. Allele origin: germline.
Comment: This sequence change creates a premature translational stop signal (p.Phe465Serfs*24) in the MBD4 gene. It is expected to result in an absent or disrupted protein product. Loss-of-function variants in MBD4 are known to be pathogenic (PMID: 30049810, 35460607). This variant is not present in population databases (gnomAD no frequency). This variant has not been reported in the literature in individuals affected with MBD4-related conditions. For these reasons, this variant has been classified as Pathogenic.

Literature cited by the submitters: PubMed 30049810 (cited by Labcorp Genetics (formerly Invitae), Labcorp); PubMed 35460607 (cited by Labcorp Genetics (formerly Invitae), Labcorp).

NM_001276270.2(MBD4):c.1376_1377del (p.Phe459fs)

Gene: MBD4 (methyl-CpG binding domain 4, DNA glycosylase; minus strand). Cytogenetic location: 3q21.3.
Variant type: Deletion.
Coding change: c.1376_1377del on transcript NM_001276270.2 (MANE Select); coding-DNA positions 1376 to 1377, 2 bases deleted (TT; older notation c.1376_1377delTT).
Protein change: p.Phe459fs; shifts the reading frame from phenylalanine 459.
Molecular consequence: frameshift variant.
Genome position (GRCh38, 1-based): chr3:129,433,866-129,433,867, AA deleted on the plus strand (TT on the coding strand, the reverse complement: MBD4 is on the minus strand); deleting any 2 consecutive bases within chr3:129,433,866-129,433,868 gives the same sequence; the c. name uses the placement nearest the transcript's 3' end. VCF-style (leftmost placement, unchanged base first): chr3-129433865-GAA-G. GRCh37 (hg19) VCF-style: chr3-129152708-GAA-G.
Other names: c.1376_1377delTT (NM_001276270.2); c.1394_1395del, p.Phe465fs (NM_001276271.2, NM_001276272.2, NM_003925.3); c.440_441del, p.Phe147fs (NM_001276273.2); short protein forms F147fs, F459fs, F465fs.
Identifiers: ClinVar variation 3642431 (VCV003642431.3).